The following is an entry in ClinVar:

NM_001367873.1(SOX6):c.1729G>A (p.Glu577Lys)

Gene: SOX6 (SRY-box transcription factor 6; minus strand). Cytogenetic location: 11p15.2.
Variant type: single nucleotide variant.
Coding change: c.1729G>A on transcript NM_001367873.1 (MANE Select); coding-DNA position 1729, G replaced by A.
Protein change: p.Glu577Lys; replaces glutamic acid 577 with lysine.
Molecular consequence: missense variant.
Genome position (GRCh38, 1-based): chr11:16,014,945, C>T on the plus strand (G>A on the coding strand, the complement: SOX6 is on the minus strand). VCF-style: chr11-16014945-C-T. GRCh37 (hg19) VCF-style: chr11-16036491-C-T.
Other names: c.1648G>A, p.Glu550Lys (NM_001145811.2, NM_017508.3); c.1729G>A, p.Glu577Lys (NM_001145819.2, NM_033326.3); c.1606G>A, p.Glu536Lys (NM_001367872.1); short protein forms E536K, E577K, E550K.
Identifiers: ClinVar variation 2536036 (VCV002536036.3), dbSNP rs1437156651, ClinGen allele CA379874472.

ClinVar aggregate classification (germline): Uncertain significance. Review status: criteria provided, multiple submitters, no conflicts (2 of 4 stars). 2 submissions from 2 submitters: Uncertain significance (2). Last evaluated 2025-11-28.

Conditions:
Inborn genetic diseases. Identifiers: MedGen C0950123, MeSH D030342.

Allele frequency attached by ClinVar (database versions not stated): TOPMed 0.00001.

Submissions (2):

Women's Health and Genetics/Laboratory Corporation of America, LabCorp
Classification: Uncertain significance. Last evaluated: 2025-11-28. Review status: criteria provided, single submitter. Criteria: LabCorp Variant Classification Summary - May 2015. Collection method: clinical testing. Allele origin: germline.
Comment: Variant summary: SOX6 c.1729G>A (p.Glu577Lys) results in a conservative amino acid change in the encoded protein sequence. Algorithms developed to predict the effect of missense changes on protein structure and function are either unavailable or do not agree on the potential impact of this missense change. The variant was absent in 250786 control chromosomes. The available data on variant occurrences in the general population are insufficient to allow any conclusion about variant significance. To our knowledge, no occurrence of c.1729G>A in individuals affected with SOX6-related conditions and no experimental evidence demonstrating its impact on protein function have been reported. ClinVar contains an entry for this variant (Variation ID: 2536036). Based on the evidence outlined above, the variant was classified as uncertain significance.

Ambry Genetics
Classification: Uncertain significance for Inborn genetic diseases. Last evaluated: 2023-04-11. Review status: criteria provided, single submitter. Criteria: Ambry Variant Classification Scheme 2023. Collection method: clinical testing. Allele origin: germline.
Comment: The c.1729G>A (p.E577K) alteration is located in exon 13 (coding exon 12) of the SOX6 gene. This alteration results from a G to A substitution at nucleotide position 1729, causing the glutamic acid (E) at amino acid position 577 to be replaced by a lysine (K). This variant was not reported in population-based cohorts in the Genome Aggregation Database (gnomAD). This amino acid position is well conserved in available vertebrate species. The in silico prediction for this alteration is inconclusive. Based on insufficient or conflicting evidence, the clinical significance of this alteration remains unclear.